The following is an entry in ClinVar:

NM_006904.7(PRKDC):c.9788A>G (p.His3263Arg)

Gene: PRKDC (protein kinase, DNA-activated, catalytic subunit; minus strand). Cytogenetic location: 8q11.21.
Variant type: single nucleotide variant.
Coding change: c.9788A>G on transcript NM_006904.7 (MANE Select); coding-DNA position 9788, A replaced by G.
Protein change: p.His3263Arg; replaces histidine 3263 with arginine.
Molecular consequence: missense variant.
Genome position (GRCh38, 1-based): chr8:47,803,440, T>C on the plus strand (A>G on the coding strand, the complement: PRKDC is on the minus strand). VCF-style: chr8-47803440-T-C. GRCh37 (hg19) VCF-style: chr8-48716001-T-C.
Other names: c.9788A>G, p.His3263Arg (NM_001081640.2); short protein forms H3263R.
Identifiers: ClinVar variation 1001391 (VCV001001391.1), dbSNP rs1197823539, ClinGen allele CA371136843.
Genomic context (GRCh38, chr8:47,803,440, plus strand): 5'-AGGCGGCAGTAGCTCTGCACCCAGCTCACCAGCCAATCGTCTCTGGTTTTTGACTCTTTA[T>C]GCAGCTCCTTCAGTAGTTTCATAGCAAGTGAGAAATTGTTCTGTATGAATACAATAAAAA-3'
Protein context (NP_008835.5, residues 3253-3273): SLAMKLLKEL[His3263Arg]KESKTRDDWL

ClinVar aggregate classification (germline): Uncertain significance (1 of 4 stars; one submission).

Conditions:
Severe combined immunodeficiency due to DNA-PKcs deficiency. Also called: IMMUNODEFICIENCY 26 WITH NEUROLOGIC ABNORMALITIES; Immunodeficiency 26 with or without neurologic abnormalities. Identifiers: Orphanet 317425, MedGen C4014833, MONDO:0014423, OMIM 615966.

Submission:

Labcorp Genetics (formerly Invitae), Labcorp
Classification: Uncertain significance for Severe combined immunodeficiency due to DNA-PKcs deficiency. Last evaluated: 2020-09-15. Review status: criteria provided, single submitter. Criteria: Invitae Variant Classification Sherloc (09022015). Collection method: clinical testing. Allele origin: germline.
Comment: This sequence change replaces histidine with arginine at codon 3263 of the PRKDC protein (p.His3263Arg). The histidine residue is moderately conserved and there is a small physicochemical difference between histidine and arginine. This variant is not present in population databases (ExAC no frequency). This variant has not been reported in the literature in individuals with PRKDC-related conditions. Experimental studies and prediction algorithms are not available or were not evaluated, and the functional significance of this variant is currently unknown. In summary, the available evidence is currently insufficient to determine the role of this variant in disease. Therefore, it has been classified as a Variant of Uncertain Significance.